The following is an entry in ClinVar:

ClinVar aggregate classification (germline): Likely benign. Review status: criteria provided, multiple submitters, no conflicts (2 of 4 stars). 3 submissions from 3 submitters: Likely benign (2). 1 of the submissions does not count toward it. Last evaluated 2025-11-06.

Conditions:
SZT2-related disorder. Also called: SZT2-related condition.

Allele frequency attached by ClinVar (database versions not stated): ExAC 0.00008; gnomAD exomes 0.00010; TOPMed 0.00012; gnomAD 0.00013; ESP Exome Variant Server 0.00015.
gnomAD v4.1: 166 of 1,614,068 alleles (0.01%); highest among the groups gnomAD compares: Middle Eastern, 0.033%; no homozygotes.

Submissions (3):

Labcorp Genetics (formerly Invitae), Labcorp
Classification: Likely benign. Last evaluated: 2025-11-06. Review status: criteria provided, single submitter. Criteria: Invitae Variant Classification Sherloc (09022015). Collection method: clinical testing. Allele origin: germline.

Blueprint Genetics
Classification: Likely benign. Last evaluated: 2023-11-09. Review status: criteria provided, single submitter. Criteria: ACMG Guidelines, 2015. Collection method: clinical testing. Allele origin: germline.

PreventionGenetics, part of Exact Sciences
Classification: Likely benign for SZT2-related condition. Last evaluated: 2019-11-25. Review status: no assertion criteria provided. Collection method: clinical testing. Allele origin: germline. Not counted in ClinVar's aggregate classification.
Comment: This variant is classified as likely benign based on ACMG/AMP sequence variant interpretation guidelines (Richards et al. 2015 PMID: 25741868, with internal and published modifications).

NM_001365999.1(SZT2):c.2652G>A (p.Ser884=)

Gene: SZT2 (SZT2 subunit of KICSTOR complex; plus strand). Cytogenetic location: 1p34.2.
Variant type: single nucleotide variant.
Coding change: c.2652G>A on transcript NM_001365999.1 (MANE Select); coding-DNA position 2652, G replaced by A.
Protein change: p.Ser884=; no amino-acid change (serine 884 retained).
Molecular consequence: synonymous variant.
Genome position (GRCh38, 1-based): chr1:43,425,480, G>A. VCF-style: chr1-43425480-G-A. GRCh37 (hg19) VCF-style: chr1-43891151-G-A.
Other names: c.2652G>A, p.Ser884= (NM_015284.4).
Identifiers: ClinVar variation 697134 (VCV000697134.13), dbSNP rs138653257, ClinGen allele CA808780.
Genomic context (GRCh38, chr1:43,425,480, plus strand): 5'-GTTCACTCCCTGCCATGAGGCTGTGCATTGGACTCAGAGCCCTTCCTCCTTTAGCTTCTC[G>A]ACAGATGATGACAATGATGTGGAAGTGGAGGCCCTGGAGGGAGACTCAGAGCTCAATCTG-3'
Protein context (NP_001352928.1, residues 874-894): PHSTSTKDSF[Ser884=]TDDDNDVEVE